The following is an entry in ClinVar:

ClinVar aggregate classification (germline): Benign (1 of 4 stars; one submission).

Conditions:
Fraser syndrome 1 (FRASRS1). Also called: CRYPTOPHTHALMOS WITH OTHER MALFORMATIONS. Identifiers: Orphanet 2052, MedGen C4551480, MONDO:0054737, OMIM 219000.

Allele frequency attached by ClinVar (database versions not stated): TOPMed 0.01515; 1000 Genomes Project 0.01717; 1000 Genomes Project 30x 0.01780.
gnomAD v4.1: 2,851 of 544,834 alleles (0.52%); highest among the groups gnomAD compares: African/African-American, 4.8%; 63 homozygotes.

Submission:

Illumina Laboratory Services, Illumina
Classification: Benign for Fraser syndrome 1. Last evaluated: 2018-01-12. Review status: criteria provided, single submitter. Criteria: ICSL Variant Classification Criteria 13 December 2019. Collection method: clinical testing. Allele origin: germline.
Comment: This variant was observed in the ICSL laboratory as part of a predisposition screen in an ostensibly healthy population. It had not been previously curated by ICSL or reported in the Human Gene Mutation Database (HGMD: prior to June 1st, 2018), and was therefore a candidate for classification through an automated scoring system. Utilizing variant allele frequency, disease prevalence and penetrance estimates, and inheritance mode, an automated score was calculated to assess if this variant is too frequent to cause the disease. Based on the score and internal cut-off values, a variant classified as benign is not then subjected to further curation. The score for this variant resulted in a classification of benign for this disease.

NM_025074.7(FRAS1):c.-257G>T

Gene: FRAS1 (Fraser extracellular matrix complex subunit 1; plus strand). Cytogenetic location: 4q21.21.
Variant type: single nucleotide variant.
Coding change: c.-257G>T on transcript NM_025074.7 (MANE Select); 257 bases upstream of the start codon, G replaced by T.
Molecular consequence: 5 prime UTR variant.
Genome position (GRCh38, 1-based): chr4:78,057,753, G>T. VCF-style: chr4-78057753-G-T. GRCh37 (hg19) VCF-style: chr4-78978907-G-T.
Other names: c.-257G>T (NM_001166133.2).
Identifiers: ClinVar variation 349644 (VCV000349644.5), dbSNP rs78363185, ClinGen allele CA10619218.